The following is an entry in ClinVar:

ClinVar aggregate classification (germline): Uncertain significance. Review status: criteria provided, multiple submitters, no conflicts (2 of 4 stars). 3 submissions from 3 submitters: Uncertain significance (3). Last evaluated 2023-10-01.

Conditions:
Inborn genetic diseases. Identifiers: MedGen C0950123, MeSH D030342.
RHOBTB2-related disorder. Also called: RHOBTB2-related condition.

Allele frequency attached by ClinVar (database versions not stated): ExAC 0.00001; gnomAD 0.00001; gnomAD exomes 0.00001; TOPMed 0.00002.
gnomAD v4.1: 10 of 1,614,056 alleles (0.00062%); highest among the groups gnomAD compares: African/African-American, 0.0013%; no homozygotes.

Submissions (3):

CeGaT Center for Human Genetics Tuebingen
Classification: Uncertain significance. Last evaluated: 2023-10-01. Review status: criteria provided, single submitter. Criteria: CeGaT Center For Human Genetics Tuebingen Variant Classification Criteria Version 2. Collection method: clinical testing. Allele origin: germline. Affected: yes. Observed: 1 variant allele.
Comment: RHOBTB2: PM2

Ambry Genetics
Classification: Uncertain significance for Inborn genetic diseases. Last evaluated: 2023-08-22. Review status: criteria provided, single submitter. Criteria: Ambry Variant Classification Scheme 2023. Collection method: clinical testing. Allele origin: germline.

PreventionGenetics, part of Exact Sciences
Classification: Uncertain significance for RHOBTB2-related condition. Last evaluated: 2023-02-01. Review status: criteria provided, single submitter. Criteria: ACMG Guidelines, 2015. Collection method: clinical testing. Allele origin: germline.
Comment: The RHOBTB2 c.1516G>A variant is predicted to result in the amino acid substitution p.Val506Ile. To our knowledge, this variant has not been reported in the literature. This variant is reported in 0.0097% of alleles in individuals of Ashkenazi Jewish descent in gnomAD. At this time, the clinical significance of this variant is uncertain due to the absence of conclusive functional and genetic evidence.

NM_015178.3(RHOBTB2):c.1450G>A (p.Val484Ile)

Gene: RHOBTB2 (Rho related BTB domain containing 2; plus strand). Cytogenetic location: 8p21.3.
Variant type: single nucleotide variant.
Coding change: c.1450G>A on transcript NM_015178.3 (MANE Select); coding-DNA position 1450, G replaced by A.
Protein change: p.Val484Ile; replaces valine 484 with isoleucine.
Molecular consequence: missense variant.
Genome position (GRCh38, 1-based): chr8:23,007,695, G>A. VCF-style: chr8-23007695-G-A. GRCh37 (hg19) VCF-style: chr8-22865208-G-A.
Other names: c.1516G>A, p.Val506Ile (NM_001160036.2); c.1471G>A, p.Val491Ile (NM_001160037.2); c.1450G>A, p.Val484Ile (NM_001374791.1); short protein forms V491I, V506I, V484I.
Identifiers: ClinVar variation 2621189 (VCV002621189.26), dbSNP rs777766985, ClinGen allele CA4672662.
Genomic context (GRCh38, chr8:23,007,695, plus strand): 5'-GTGGCCAACATTCTCAACAATGAGGCCTTCATGAACCAGGAGATCACCAAGGCCTTCCAC[G>A]TCCGCCGGACCAACCGGGTTAAGGAGTGCTTGGCAAAAGGCACCTTCTCAGGTATGGAAC-3'
Protein context (NP_055993.2, residues 474-494): MNQEITKAFH[Val484Ile]RRTNRVKECL